The following is an entry in ClinVar:

ClinVar aggregate classification (germline): Uncertain significance (1 of 4 stars; one submission).

Conditions:
Intellectual developmental disorder with autism and macrocephaly. Also called: Autism, susceptibility to, 18; CHD8-Related Neurodevelopmental Disorder with Overgrowth. Identifiers: Orphanet 642675, MedGen C3554373, MONDO:0014017, OMIM 615032.

Submission:

Juno Genomics, Hangzhou Juno Genomics, Inc
Classification: Uncertain significance for Intellectual developmental disorder with autism and macrocephaly. Review status: criteria provided, single submitter. Criteria: ACMG Guidelines, 2015. Collection method: clinical testing. Allele origin: germline.
Comment: Absent from controls (or at extremely low frequency if recessive) in Genome Aggregation Database.;Missense variant in a gene that has a low rate of benign missense variation.

NM_001170629.2(CHD8):c.1883C>T (p.Ser628Phe)

Gene: CHD8 (chromodomain helicase DNA binding protein 8; minus strand). Cytogenetic location: 14q11.2.
Variant type: single nucleotide variant.
Coding change: c.1883C>T on transcript NM_001170629.2 (MANE Select); coding-DNA position 1883, C replaced by T.
Protein change: p.Ser628Phe; replaces serine 628 with phenylalanine.
Molecular consequence: missense variant.
Genome position (GRCh38, 1-based): chr14:21,415,741, G>A on the plus strand (C>T on the coding strand, the complement: CHD8 is on the minus strand). VCF-style: chr14-21415741-G-A. GRCh37 (hg19) VCF-style: chr14-21883900-G-A.
Other names: c.1046C>T, p.Ser349Phe (NM_020920.4); short protein forms S349F, S628F.
Identifiers: ClinVar variation 5019209 (VCV005019209.2).